The following is an entry in ClinVar:

ClinVar aggregate classification (germline): Uncertain significance (1 of 4 stars; one submission).

Allele frequency attached by ClinVar (database versions not stated): gnomAD 0.00001; TOPMed 0.00001.
gnomAD v4.1: 3 of 1,614,018 alleles (0.00019%); highest among the groups gnomAD compares: Non-Finnish European, 0.00025%; no homozygotes.

Submission:

Labcorp Genetics (formerly Invitae), Labcorp
Classification: Uncertain significance. Last evaluated: 2022-06-04. Review status: criteria provided, single submitter. Criteria: Invitae Variant Classification Sherloc (09022015). Collection method: clinical testing. Allele origin: germline.
Comment: This sequence change replaces alanine, which is neutral and non-polar, with threonine, which is neutral and polar, at codon 3005 of the VPS13A protein (p.Ala3005Thr). This variant is not present in population databases (gnomAD no frequency). This variant has not been reported in the literature in individuals affected with VPS13A-related conditions. Algorithms developed to predict the effect of missense changes on protein structure and function are either unavailable or do not agree on the potential impact of this missense change (SIFT: "Tolerated"; PolyPhen-2: "Probably Damaging"; Align-GVGD: "Class C0"). In summary, the available evidence is currently insufficient to determine the role of this variant in disease. Therefore, it has been classified as a Variant of Uncertain Significance.

NM_033305.3(VPS13A):c.9013G>A (p.Ala3005Thr)

Gene: VPS13A (vacuolar protein sorting 13 homolog A; plus strand). Cytogenetic location: 9q21.2.
Variant type: single nucleotide variant.
Coding change: c.9013G>A on transcript NM_033305.3 (MANE Select); coding-DNA position 9013, G replaced by A.
Protein change: p.Ala3005Thr; replaces alanine 3005 with threonine.
Molecular consequence: missense variant.
Genome position (GRCh38, 1-based): chr9:77,371,085, G>A. VCF-style: chr9-77371085-G-A. GRCh37 (hg19) VCF-style: chr9-79986001-G-A.
Other names: c.8896G>A, p.Ala2966Thr (NM_001018037.2); c.9013G>A, p.Ala3005Thr (NM_001018038.3, NM_015186.4); short protein forms A2966T, A3005T.
Identifiers: ClinVar variation 1949684 (VCV001949684.2), dbSNP rs1220389210, ClinGen allele CA373868897.